The following is an entry in ClinVar:

NM_020778.5(ALPK3):c.891T>A (p.Cys297Ter)

Gene: ALPK3 (alpha kinase 3; plus strand). Cytogenetic location: 15q25.3.
Variant type: single nucleotide variant.
Coding change: c.891T>A on transcript NM_020778.5 (MANE Select); coding-DNA position 891, T replaced by A.
Protein change: p.Cys297Ter; replaces cysteine 297 with a stop codon.
Molecular consequence: nonsense.
Genome position (GRCh38, 1-based): chr15:84,840,170, T>A. VCF-style: chr15-84840170-T-A. GRCh37 (hg19) VCF-style: chr15-85383401-T-A.
Other names: short protein forms C297*.
Identifiers: ClinVar variation 4725957 (VCV004725957.1).
Genomic context (GRCh38, chr15:84,840,170, plus strand): 5'-CGGGGAGGCTGCCCCCGAGAATGGAGAGGACGGAGAGCATGGCTTGCTGACATACATCTG[T>A]GACGCCATGGAGCTGGGGCCTCAGAGAGCCCTCAAAGAGGAGAGTGGGGCCAAGAAGAAA-3'

ClinVar aggregate classification (germline): Pathogenic (1 of 4 stars; one submission).

Submission:

Labcorp Genetics (formerly Invitae), Labcorp
Classification: Pathogenic. Last evaluated: 2025-08-24. Review status: criteria provided, single submitter. Criteria: Invitae Variant Classification Sherloc (09022015). Collection method: clinical testing. Allele origin: germline.
Comment: This sequence change creates a premature translational stop signal (p.Cys499*) in the ALPK3 gene. It is expected to result in an absent or disrupted protein product. Loss-of-function variants in ALPK3 are known to be pathogenic (PMID: 21441111, 26846950, 27106955, 34263907). This variant is not present in population databases (gnomAD no frequency). This variant has not been reported in the literature in individuals affected with ALPK3-related conditions. For these reasons, this variant has been classified as Pathogenic.

Literature cited by the submitters: PubMed 21441111; PubMed 26846950; PubMed 27106955; PubMed 34263907.